The following is an entry in ClinVar:

ClinVar aggregate classification (germline): Benign/Likely benign. Review status: criteria provided, multiple submitters, no conflicts (2 of 4 stars). 5 submissions from 5 submitters: Benign (1); Likely benign (4). Last evaluated 2025-12-27.

Conditions:
Pheochromocytoma/paraganglioma syndrome 5. Also called: SDHA-Related Hereditary Paraganglioma-Pheochromocytoma Syndrome; Paragangliomas 5. Identifiers: Orphanet 29072, MedGen C3279992, MONDO:0013602, OMIM 614165.
Mitochondrial complex II deficiency, nuclear type 1. Also called: SUCCINATE CoQ REDUCTASE DEFICIENCY. Identifiers: Orphanet 3208, MedGen C5700310, MONDO:0100294, OMIM 252011.
Hereditary cancer-predisposing syndrome. Also called: Tumor predisposition; Hereditary Cancer Syndrome; Hereditary neoplastic syndrome; Neoplastic Syndromes, Hereditary. Identifiers: Orphanet 140162, MedGen C0027672, MeSH D009386, MONDO:0015356.

Allele frequency attached by ClinVar (database versions not stated): gnomAD below 0.00001 and 0.00002; TOPMed 0.00001; gnomAD exomes 0.00007 and 0.00012; ExAC 0.00015; 1000 Genomes Project 30x 0.00016; 1000 Genomes Project 0.00020.
gnomAD v4.1: 103 of 1,613,970 alleles (0.0064%); highest among the groups gnomAD compares: South Asian, 0.11%; no homozygotes.

Submissions (5):

Labcorp Genetics (formerly Invitae), Labcorp
Classification: Likely benign for Pheochromocytoma/paraganglioma syndrome 5; Mitochondrial complex II deficiency, nuclear type 1. Last evaluated: 2025-12-27. Review status: criteria provided, single submitter. Criteria: Invitae Variant Classification Sherloc (09022015). Collection method: clinical testing. Allele origin: germline.

Women's Health and Genetics/Laboratory Corporation of America, LabCorp
Classification: Likely benign. Last evaluated: 2025-05-08. Review status: criteria provided, single submitter. Criteria: LabCorp Variant Classification Summary - May 2015. Collection method: clinical testing. Allele origin: germline.

Myriad Genetics, Inc.
Classification: Benign for Pheochromocytoma/paraganglioma syndrome 5. Last evaluated: 2025-03-03. Review status: criteria provided, single submitter. Criteria: Myriad Autosomal Dominant, Autosomal Recessive and X-Linked Classification Criteria (2023). Collection method: clinical testing. Allele origin: unknown.
Comment: This variant is considered benign. This variant is a silent/synonymous amino acid change and it is not expected to impact splicing.

Blueprint Genetics
Classification: Likely benign. Last evaluated: 2023-05-02. Review status: criteria provided, single submitter. Criteria: ACMG Guidelines, 2015. Collection method: clinical testing. Allele origin: germline.

Ambry Genetics
Classification: Likely benign for Hereditary cancer-predisposing syndrome. Last evaluated: 2019-08-21. Review status: criteria provided, single submitter. Criteria: Ambry Variant Classification Scheme 2023. Collection method: clinical testing. Allele origin: germline.

NM_004168.4(SDHA):c.873G>A (p.Glu291=)

Gene: SDHA (succinate dehydrogenase complex flavoprotein subunit A; plus strand). Cytogenetic location: 5p15.33.
Variant type: single nucleotide variant.
Coding change: c.873G>A on transcript NM_004168.4 (MANE Select); coding-DNA position 873, G replaced by A.
Protein change: p.Glu291=; no amino-acid change (glutamic acid 291 retained).
Molecular consequence: synonymous variant.
Genome position (GRCh38, 1-based): chr5:230,978, G>A. VCF-style: chr5-230978-G-A. GRCh37 (hg19) VCF-style: chr5-231093-G-A.
Other names: c.729G>A, p.Glu243= (NM_001294332.2); c.873G>A, p.Glu291= (NM_001330758.2).
Identifiers: ClinVar variation 417261 (VCV000417261.17), dbSNP rs570393010, ClinGen allele CA3173011.